The following is an entry in ClinVar:

NM_024675.4(PALB2):c.1585C>T (p.Pro529Ser)

Gene: PALB2 (partner and localizer of BRCA2; minus strand). Cytogenetic location: 16p12.2.
Variant type: single nucleotide variant.
Coding change: c.1585C>T on transcript NM_024675.4 (MANE Select); coding-DNA position 1585, C replaced by T.
Protein change: p.Pro529Ser; replaces proline 529 with serine.
Molecular consequence: missense variant.
Genome position (GRCh38, 1-based): chr16:23,634,961, G>A on the plus strand (C>T on the coding strand, the complement: PALB2 is on the minus strand). VCF-style: chr16-23634961-G-A. GRCh37 (hg19) VCF-style: chr16-23646282-G-A.
Other names: short protein forms P529S.
Identifiers: ClinVar variation 1009693 (VCV001009693.10), dbSNP rs560839514, ClinGen allele CA7963694.

ClinVar aggregate classification (germline): Uncertain significance (1 of 4 stars; one submission).

Conditions:
Familial cancer of breast. Also called: BREAST CANCER, FAMILIAL; Hereditary breast cancer; hereditary breast carcinoma. Identifiers: Orphanet 227535, MedGen C0346153, MONDO:0016419, OMIM 114480. Disease mechanism: loss of function.

Allele frequency attached by ClinVar (database versions not stated): gnomAD exomes below 0.00001; ExAC 0.00001; gnomAD 0.00001; 1000 Genomes Project 30x 0.00016; 1000 Genomes Project 0.00020.
gnomAD v4.1: 1 of 1,614,154 alleles (0.000062%); highest among the groups gnomAD compares: East Asian, 0.0022%; no homozygotes.

Submission:

Labcorp Genetics (formerly Invitae), Labcorp
Classification: Uncertain significance for Familial cancer of breast. Last evaluated: 2025-10-06. Review status: criteria provided, single submitter. Criteria: Invitae Variant Classification Sherloc (09022015). Collection method: clinical testing. Allele origin: germline.
Comment: This sequence change replaces proline, which is neutral and non-polar, with serine, which is neutral and polar, at codon 529 of the PALB2 protein (p.Pro529Ser). This variant is present in population databases (rs560839514, gnomAD 0.006%). This variant has not been reported in the literature in individuals affected with PALB2-related conditions. ClinVar contains an entry for this variant (Variation ID: 1009693). Invitae Evidence Modeling of protein sequence and biophysical properties (such as structural, functional, and spatial information, amino acid conservation, physicochemical variation, residue mobility, and thermodynamic stability) indicates that this missense variant is not expected to disrupt PALB2 protein function with a negative predictive value of 80%. In summary, the available evidence is currently insufficient to determine the role of this variant in disease. Therefore, it has been classified as a Variant of Uncertain Significance.